The following is an entry in ClinVar:

NM_020433.5(JPH2):c.554C>G (p.Ser185Cys)

Gene: JPH2 (junctophilin 2; minus strand). Cytogenetic location: 20q13.12.
Variant type: single nucleotide variant.
Coding change: c.554C>G on transcript NM_020433.5 (MANE Select); coding-DNA position 554, C replaced by G.
Protein change: p.Ser185Cys; replaces serine 185 with cysteine.
Molecular consequence: missense variant.
Genome position (GRCh38, 1-based): chr20:44,160,233, G>C on the plus strand (C>G on the coding strand, the complement: JPH2 is on the minus strand). VCF-style: chr20-44160233-G-C. GRCh37 (hg19) VCF-style: chr20-42788873-G-C.
Other names: short protein forms S185C.
Identifiers: ClinVar variation 4858569 (VCV004858569.1).

ClinVar aggregate classification (germline): Uncertain significance (1 of 4 stars; one submission).

Conditions:
Cardiovascular phenotype. Identifiers: MedGen CN230736.

gnomAD v4.1: 16 of 1,496,808 alleles (0.0011%); highest among the groups gnomAD compares: Non-Finnish European, 0.0014%; no homozygotes.

Submission:

Ambry Genetics
Classification: Uncertain significance for Cardiovascular phenotype. Last evaluated: 2026-06-01. Review status: criteria provided, single submitter. Criteria: Ambry Variant Classification Scheme 2023. Collection method: clinical testing. Allele origin: germline.
Comment: The p.S185C variant (also known as c.554C>G), located in coding exon 2 of the JPH2 gene, results from a C to G substitution at nucleotide position 554. The serine at codon 185 is replaced by cysteine, an amino acid with dissimilar properties. This amino acid position is conserved. In addition, this alteration is predicted to be tolerated by in silico analysis. Based on the available evidence, the clinical significance of this variant remains unclear.